The following is an entry in ClinVar:

NM_182961.4(SYNE1):c.11253+9G>A

Gene: SYNE1 (spectrin repeat containing nuclear envelope protein 1; minus strand). Cytogenetic location: 6q25.2.
Variant type: single nucleotide variant.
Coding change: c.11253+9G>A on transcript NM_182961.4 (MANE Select); 9 bases into the intron after coding-DNA position 11253, G replaced by A.
Molecular consequence: intron variant.
Genome position (GRCh38, 1-based): chr6:152,353,254, C>T on the plus strand (G>A on the coding strand, the complement: SYNE1 is on the minus strand). VCF-style: chr6-152353254-C-T. GRCh37 (hg19) VCF-style: chr6-152674389-C-T.
Other names: c.11208+9G>A (NM_033071.5).
Identifiers: ClinVar variation 288017 (VCV000288017.22), dbSNP rs368012172, ClinGen allele CA4056742.

ClinVar aggregate classification (germline): Conflicting classifications of pathogenicity. Review status: criteria provided, conflicting classifications (1 of 4 stars). 7 submissions from 6 submitters: Uncertain significance (2); Benign (1); Likely benign (3). 1 of the submissions does not count toward it. Last evaluated 2025-11-18.

Conditions:
SYNE1-related disorder. Also called: SYNE1-related disorders; SYNE1-related disease; SYNE1-related condition.
Autosomal recessive ataxia, Beauce type. Also called: Spinocerebellar ataxia, autosomal recessive 8; SYNE1-Related Autosomal Recessive Cerebellar Ataxia; SYNE1 Deficiency; ATAXIA, RECESSIVE, OF BEAUCE. Identifiers: Orphanet 88644, MedGen C1853116, MONDO:0012549, OMIM 610743.
Emery-Dreifuss muscular dystrophy 4, autosomal dominant (EDMD4). Also called: EMERY-DREIFUSS MUSCULAR DYSTROPHY 4 WITH VARIABLE FEATURES. Identifiers: Orphanet 261, MedGen C2751807, MONDO:0013071, OMIM 612998.

Allele frequency attached by ClinVar (database versions not stated): ExAC 0.00011; gnomAD exomes 0.00012; TOPMed 0.00017; gnomAD 0.00021; ESP Exome Variant Server 0.00023.
gnomAD v4.1: 616 of 1,614,052 alleles (0.038%); highest among the groups gnomAD compares: Non-Finnish European, 0.05%; no homozygotes.

Submissions (7):

Labcorp Genetics (formerly Invitae), Labcorp
Classification: Likely benign for Emery-Dreifuss muscular dystrophy 4, autosomal dominant; Autosomal recessive ataxia, Beauce type. Last evaluated: 2025-11-18. Review status: criteria provided, single submitter. Criteria: Invitae Variant Classification Sherloc (09022015). Collection method: clinical testing. Allele origin: germline.

Blueprint Genetics
Classification: Likely benign. Last evaluated: 2024-11-25. Review status: criteria provided, single submitter. Criteria: ACMG Guidelines, 2015. Collection method: clinical testing. Allele origin: germline.

Athena Diagnostics
Classification: Likely benign. Last evaluated: 2024-09-23. Review status: criteria provided, single submitter. Criteria: Athena Diagnostics Criteria. Collection method: clinical testing. Allele origin: unknown.

Illumina Laboratory Services, Illumina
Classification: Benign for Emery-Dreifuss muscular dystrophy 4, autosomal dominant. Last evaluated: 2018-01-12. Review status: criteria provided, single submitter. Criteria: ICSL Variant Classification Criteria 13 December 2019. Collection method: clinical testing. Allele origin: germline.
Comment: This variant was observed in the ICSL laboratory as part of a predisposition screen in an ostensibly healthy population. It had not been previously curated by ICSL or reported in the Human Gene Mutation Database (HGMD: prior to June 1st, 2018), and was therefore a candidate for classification through an automated scoring system. Utilizing variant allele frequency, disease prevalence and penetrance estimates, and inheritance mode, an automated score was calculated to assess if this variant is too frequent to cause the disease. Based on the score and internal cut-off values, a variant classified as benign is not then subjected to further curation. The score for this variant resulted in a classification of benign for this disease.

Illumina Laboratory Services, Illumina
Classification: Uncertain significance for Autosomal recessive ataxia, Beauce type. Last evaluated: 2018-01-12. Review status: criteria provided, single submitter. Criteria: ICSL Variant Classification Criteria 13 December 2019. Collection method: clinical testing. Allele origin: germline.

Eurofins Ntd Llc (ga)
Classification: Uncertain significance. Last evaluated: 2017-06-13. Review status: criteria provided, single submitter. Criteria: EGL Classification Definitions 2015. Collection method: clinical testing. Allele origin: germline. Observed: 4 variant alleles, 4 heterozygotes.

PreventionGenetics, part of Exact Sciences
Classification: Likely benign for SYNE1-related condition. Last evaluated: 2019-10-21. Review status: no assertion criteria provided. Collection method: clinical testing. Allele origin: germline. Not counted in ClinVar's aggregate classification.
Comment: This variant is classified as likely benign based on ACMG/AMP sequence variant interpretation guidelines (Richards et al. 2015 PMID: 25741868, with internal and published modifications).